The following is an entry in ClinVar:

ClinVar aggregate classification (germline): Pathogenic (1 of 4 stars; one submission).

Conditions:
Hereditary spastic paraplegia 30. Identifiers: Orphanet 101010, MedGen C5235139, MONDO:0012476.
Neuropathy, hereditary sensory, type 2C. Also called: Hereditary sensory and autonomic neuropathy type IIC; KIF1A-Related HSAN2 (HSAN2C). Identifiers: Orphanet 970, MedGen C3280168, MONDO:0013634, OMIM 614213.
Intellectual disability, autosomal dominant 9 (NESCAVS). Also called: NESCAV SYNDROME; KIF1A-Related Neurodevelopmental Disorder. Identifiers: Orphanet 662367, MedGen C5393830, MONDO:0013656, OMIM 614255.

Submission:

Labcorp Genetics (formerly Invitae), Labcorp
Classification: Pathogenic for Hereditary spastic paraplegia 30; Neuropathy, hereditary sensory, type 2C; Intellectual disability, autosomal dominant 9. Last evaluated: 2024-03-07. Review status: criteria provided, single submitter. Criteria: Invitae Variant Classification Sherloc (09022015). Collection method: clinical testing. Allele origin: germline.
Comment: This sequence change creates a premature translational stop signal (p.Tyr67*) in the KIF1A gene. It is expected to result in an absent or disrupted protein product. Loss-of-function variants in KIF1A are known to be pathogenic (PMID: 21820098). This variant is not present in population databases (gnomAD no frequency). This variant has not been reported in the literature in individuals affected with KIF1A-related conditions. ClinVar contains an entry for this variant (Variation ID: 2031536). For these reasons, this variant has been classified as Pathogenic.

Literature cited by the submitters: PubMed 21820098.

NM_001244008.2(KIF1A):c.200dup (p.Tyr67Ter)

Gene: KIF1A (kinesin family member 1A; minus strand). Cytogenetic location: 2q37.3.
Variant type: Duplication.
Coding change: c.200dup on transcript NM_001244008.2 (MANE Select); coding-DNA position 200, one base duplicated (A; older notation c.200dupA).
Protein change: p.Tyr67Ter; replaces tyrosine 67 with a stop codon.
Molecular consequence: nonsense. On other transcripts: frameshift variant (1).
Genome position (GRCh38, 1-based): chr2:240,788,214, T duplicated on the plus strand (A on the coding strand, the reverse complement: KIF1A is on the minus strand). VCF-style (leftmost placement, unchanged base first): chr2-240788213-G-GT. GRCh37 (hg19) VCF-style: chr2-241727630-G-GT.
Other names: c.200dup, p.Tyr67Ter (NM_001320705.2, NM_001330289.2, NM_001330290.2 and 20 more transcripts); c.200dup, p.Tyr67Terfs (NM_001379654.1); short protein forms Y67*.
Identifiers: ClinVar variation 2031536 (VCV002031536.4), dbSNP rs2538439290, ClinGen allele CA2580068121.